The following is an entry in ClinVar:

NM_182961.4(SYNE1):c.24977-13_24996del

Gene: SYNE1 (spectrin repeat containing nuclear envelope protein 1; minus strand). Cytogenetic location: 6q25.2.
Variant type: Deletion.
Coding change: c.24977-13_24996del on transcript NM_182961.4 (MANE Select); 13 bases into the intron before coding-DNA position 24977 through coding-DNA position 24996, 33 bases deleted.
Molecular consequence: splice acceptor variant.
Genome position (GRCh38, 1-based): chr6:152,143,746-152,143,778, 33 bases deleted; deleting any 33 consecutive bases within chr6:152,143,746-152,143,779 gives the same sequence; the c. name uses the placement nearest the transcript's 3' end. GRCh37 (hg19): chr6:152,464,882-152,464,914.
Other names: c.24833-13_24852del (NM_033071.5); c.1583-13_1602del (NM_001347701.2); c.1511-13_1530del (NM_001347702.2).
Identifiers: ClinVar variation 2098158 (VCV002098158.4), dbSNP rs2549722965, ClinGen allele CA2580075218.
Genomic context (GRCh38, chr6:152,143,745, plus strand): 5'-CGGTTTGCTGTATCTGAAAACGGCTATCATCCAGGGCTTTGCCCAGTTGTCGGATCTGTG[ACTCTAGGGCACTGTGGTCCCCTGCGGTGGCAAC>A]CATAAGAATCTTTACTGGACAAACTATTTGACTTATTTAAAGCTTGATATTCAAGGAGAA-3'

ClinVar aggregate classification (germline): Pathogenic (1 of 4 stars; one submission).

Conditions:
Emery-Dreifuss muscular dystrophy 4, autosomal dominant (EDMD4). Also called: EMERY-DREIFUSS MUSCULAR DYSTROPHY 4 WITH VARIABLE FEATURES. Identifiers: Orphanet 261, MedGen C2751807, MONDO:0013071, OMIM 612998.
Autosomal recessive ataxia, Beauce type. Also called: SYNE1 Deficiency; Spinocerebellar ataxia, autosomal recessive 8; ATAXIA, RECESSIVE, OF BEAUCE; SYNE1-Related Autosomal Recessive Cerebellar Ataxia. Identifiers: Orphanet 88644, MedGen C1853116, MONDO:0012549, OMIM 610743.

Submission:

Labcorp Genetics (formerly Invitae), Labcorp
Classification: Pathogenic for Emery-Dreifuss muscular dystrophy 4, autosomal dominant; Autosomal recessive ataxia, Beauce type. Last evaluated: 2024-10-21. Review status: criteria provided, single submitter. Criteria: Invitae Variant Classification Sherloc (09022015). Collection method: clinical testing. Allele origin: germline.
Comment: This variant results in the deletion of part of exon 138 (c.24833-13_24852del) of the SYNE1 gene. It is expected to disrupt RNA splicing. Variants that disrupt the donor or acceptor splice site typically lead to a loss of protein function (PMID: 16199547), and loss-of-function variants in SYNE1 are known to be pathogenic (PMID: 19542096, 24319099, 27086870). This variant is not present in population databases (gnomAD no frequency). This variant has been observed in individual(s) with clinical features of arthrogryposis multiplex congenita (internal data). In at least one individual the data is consistent with being in trans (on the opposite chromosome) from a pathogenic variant. ClinVar contains an entry for this variant (Variation ID: 2098158). For these reasons, this variant has been classified as Pathogenic.

Literature cited by the submitters: PubMed 16199547; PubMed 19542096; PubMed 24319099; PubMed 27086870.